The following is an entry in ClinVar:

ClinVar aggregate classification (germline): Uncertain significance (1 of 4 stars; one submission).

Allele frequency attached by ClinVar (database versions not stated): gnomAD exomes below 0.00001; gnomAD 0.00001; TOPMed 0.00002.

Submission:

Labcorp Genetics (formerly Invitae), Labcorp
Classification: Uncertain significance. Last evaluated: 2022-10-13. Review status: criteria provided, single submitter. Criteria: Invitae Variant Classification Sherloc (09022015). Collection method: clinical testing. Allele origin: germline.
Comment: This sequence change replaces methionine, which is neutral and non-polar, with valine, which is neutral and non-polar, at codon 1865 of the MPDZ protein (p.Met1865Val). This variant is not present in population databases (gnomAD no frequency). This variant has not been reported in the literature in individuals affected with MPDZ-related conditions. ClinVar contains an entry for this variant (Variation ID: 1442263). Algorithms developed to predict the effect of missense changes on protein structure and function are either unavailable or do not agree on the potential impact of this missense change (SIFT: "Deleterious"; PolyPhen-2: "Probably Damaging"; Align-GVGD: "Class C0"). In summary, the available evidence is currently insufficient to determine the role of this variant in disease. Therefore, it has been classified as a Variant of Uncertain Significance.

NM_001378778.1(MPDZ):c.5680A>G (p.Met1894Val)

Gene: MPDZ (multiple PDZ domain crumbs cell polarity complex component; minus strand). Cytogenetic location: 9p23.
Variant type: single nucleotide variant.
Coding change: c.5680A>G on transcript NM_001378778.1 (MANE Select); coding-DNA position 5680, A replaced by G.
Protein change: p.Met1894Val; replaces methionine 1894 with valine.
Molecular consequence: missense variant.
Genome position (GRCh38, 1-based): chr9:13,112,068, T>C on the plus strand (A>G on the coding strand, the complement: MPDZ is on the minus strand). VCF-style: chr9-13112068-T-C. GRCh37 (hg19) VCF-style: chr9-13112067-T-C.
Other names: c.5581A>G, p.Met1861Val (NM_001261406.2, NM_001375416.1, NM_001375417.1 and 1 more transcripts); c.5494A>G, p.Met1832Val (NM_001261407.2, NM_001375419.1); c.5680A>G, p.Met1894Val (NM_001330637.2); c.5779A>G, p.Met1927Val (NM_001375413.1); c.5470A>G, p.Met1824Val (NM_001375420.1, NM_001375421.1, NM_001375422.1 and 2 more transcripts); c.5383A>G, p.Met1795Val (NM_001375425.1, NM_001375426.1); c.5272A>G, p.Met1758Val (NM_001375427.1); c.5593A>G, p.Met1865Val (NM_003829.5); short protein forms M1824V, M1865V, M1894V, M1795V, M1861V, M1927V, M1758V, M1832V.
Identifiers: ClinVar variation 1442263 (VCV001442263.6), dbSNP rs1942583377, ClinGen allele CA372941358.